The following is an entry in ClinVar:

ClinVar aggregate classification (germline): Uncertain significance. Review status: criteria provided, multiple submitters, no conflicts (2 of 4 stars). 2 submissions from 2 submitters: Uncertain significance (2). Last evaluated 2026-01-26.

Conditions:
Primary ciliary dyskinesia. Also called: Ciliary dyskinesia. Identifiers: Orphanet 244, MedGen C0008780, MONDO:0016575, HP:0012265.

Allele frequency attached by ClinVar (database versions not stated): TOPMed 0.00002; ESP Exome Variant Server 0.00008.
gnomAD v4.1: 35 of 1,613,968 alleles (0.0022%); highest among the groups gnomAD compares: Non-Finnish European, 0.0028%; no homozygotes.

Submissions (2):

Labcorp Genetics (formerly Invitae), Labcorp
Classification: Uncertain significance for Primary ciliary dyskinesia. Last evaluated: 2026-01-26. Review status: criteria provided, single submitter. Criteria: Invitae Variant Classification Sherloc (09022015). Collection method: clinical testing. Allele origin: germline.
Comment: This sequence change replaces phenylalanine, which is neutral and non-polar, with serine, which is neutral and polar, at codon 3910 of the DNAH8 protein (p.Phe3910Ser). This variant is present in population databases (rs375158290, gnomAD 0.006%). This variant has not been reported in the literature in individuals affected with DNAH8-related conditions. ClinVar contains an entry for this variant (Variation ID: 525453). Invitae Evidence Modeling of protein sequence and biophysical properties (such as structural, functional, and spatial information, amino acid conservation, physicochemical variation, residue mobility, and thermodynamic stability) indicates that this missense variant is expected to disrupt DNAH8 protein function with a positive predictive value of 80%. In summary, the available evidence is currently insufficient to determine the role of this variant in disease. Therefore, it has been classified as a Variant of Uncertain Significance.

Ambry Genetics
Classification: Uncertain significance. Last evaluated: 2023-06-07. Review status: criteria provided, single submitter. Criteria: Ambry Variant Classification Scheme 2023. Collection method: clinical testing. Allele origin: germline.

NM_001206927.2(DNAH8):c.11729T>C (p.Phe3910Ser)

Genes: DNAH8 (dynein axonemal heavy chain 8; plus strand), DNAH8-AS1 (DNAH8 antisense RNA 1; minus strand). Cytogenetic location: 6p21.2.
Variant type: single nucleotide variant.
Coding change: c.11729T>C on transcript NM_001206927.2 (MANE Select); coding-DNA position 11729, T replaced by C.
Protein change: p.Phe3910Ser; replaces phenylalanine 3910 with serine.
Molecular consequence: missense variant.
Genome position (GRCh38, 1-based): chr6:38,938,139, T>C. VCF-style: chr6-38938139-T-C. GRCh37 (hg19) VCF-style: chr6-38905915-T-C.
Other names: c.11078T>C, p.Phe3693Ser (NM_001371.4); short protein forms F3910S, F3693S.
Identifiers: ClinVar variation 525453 (VCV000525453.10), dbSNP rs375158290, ClinGen allele CA3791166.